The following is an entry in ClinVar:

ClinVar aggregate classification (germline): Uncertain significance (1 of 4 stars; one submission).

Conditions:
Spastic paraplegia. Identifiers: MedGen C0037772, HP:0001258.

Submission:

Labcorp Genetics (formerly Invitae), Labcorp
Classification: Uncertain significance for Spastic paraplegia. Last evaluated: 2020-10-15. Review status: criteria provided, single submitter. Criteria: Invitae Variant Classification Sherloc (09022015). Collection method: clinical testing. Allele origin: germline.
Comment: In summary, the available evidence is currently insufficient to determine the role of this variant in disease. Therefore, it has been classified as a Variant of Uncertain Significance. Algorithms developed to predict the effect of missense changes on protein structure and function are either unavailable or do not agree on the potential impact of this missense change (SIFT: "Tolerated"; PolyPhen-2: "Probably Damaging"; Align-GVGD: "Class C0"). This variant has not been reported in the literature in individuals with HSPD1-related conditions. This variant is not present in population databases (ExAC no frequency). This sequence change replaces glycine with aspartic acid at codon 294 of the HSPD1 protein (p.Gly294Asp). The glycine residue is moderately conserved and there is a moderate physicochemical difference between glycine and aspartic acid.

NM_002156.5(HSPD1):c.881G>A (p.Gly294Asp)

Gene: HSPD1 (heat shock protein family D (Hsp60) member 1; minus strand). Cytogenetic location: 2q33.1.
Variant type: single nucleotide variant.
Coding change: c.881G>A on transcript NM_002156.5 (MANE Select); coding-DNA position 881, G replaced by A.
Protein change: p.Gly294Asp; replaces glycine 294 with aspartic acid.
Molecular consequence: missense variant.
Genome position (GRCh38, 1-based): chr2:197,490,285, C>T on the plus strand (G>A on the coding strand, the complement: HSPD1 is on the minus strand). VCF-style: chr2-197490285-C-T. GRCh37 (hg19) VCF-style: chr2-198355009-C-T.
Other names: c.881G>A, p.Gly294Asp (NM_199440.2); short protein forms G294D.
Identifiers: ClinVar variation 1026250 (VCV001026250.9), dbSNP rs2086074548, ClinGen allele CA350200578.